The following is an entry in ClinVar:

ClinVar aggregate classification (germline): Pathogenic (1 of 4 stars; one submission).

gnomAD v4.1: 1 of 1,596,960 alleles (0.000063%); highest among the groups gnomAD compares: Non-Finnish European, 0.000086%; no homozygotes.

Submission:

Labcorp Genetics (formerly Invitae), Labcorp
Classification: Pathogenic. Last evaluated: 2022-01-02. Review status: criteria provided, single submitter. Criteria: Invitae Variant Classification Sherloc (09022015). Collection method: clinical testing. Allele origin: germline.
Comment: For these reasons, this variant has been classified as Pathogenic. Algorithms developed to predict the effect of sequence changes on RNA splicing suggest that this variant may disrupt the consensus splice site. Disruption of this splice site has been observed in individual(s) with mitochondrial complex I deficiency (PMID: 31434271). In at least one individual the data is consistent with being in trans (on the opposite chromosome) from a pathogenic variant. This variant is not present in population databases (gnomAD no frequency). This sequence change affects a donor splice site in intron 6 of the FOXRED1 gene. It is expected to disrupt RNA splicing. Variants that disrupt the donor or acceptor splice site typically lead to a loss of protein function (PMID: 16199547), and loss-of-function variants in FOXRED1 are known to be pathogenic (PMID: 20818383, 20858599).

Literature cited by the submitters: PubMed 31434271; PubMed 16199547; PubMed 20818383; PubMed 20858599.

NM_017547.4(FOXRED1):c.733+1G>C

Gene: FOXRED1 (FAD dependent oxidoreductase domain containing 1; plus strand). Cytogenetic location: 11q24.2.
Variant type: single nucleotide variant.
Coding change: c.733+1G>C on transcript NM_017547.4 (MANE Select); the canonical splice donor site of the intron after coding-DNA position 733, G replaced by C.
Molecular consequence: splice donor variant.
Genome position (GRCh38, 1-based): chr11:126,275,429, G>C. VCF-style: chr11-126275429-G-C. GRCh37 (hg19) VCF-style: chr11-126145324-G-C.
Identifiers: ClinVar variation 1970647 (VCV001970647.5), dbSNP rs754952690, ClinGen allele CA383230288.